The following is an entry in ClinVar:

ClinVar aggregate classification (germline): Uncertain significance. Review status: criteria provided, multiple submitters, no conflicts (2 of 4 stars). 3 submissions from 3 submitters: Uncertain significance (3). Last evaluated 2025-11-20.

Conditions:
Inborn genetic diseases. Identifiers: MedGen C0950123, MeSH D030342.

Allele frequency attached by ClinVar (database versions not stated): gnomAD 0.00004; ESP Exome Variant Server 0.00008; TOPMed 0.00009; ExAC 0.00014; 1000 Genomes Project 30x 0.00016; 1000 Genomes Project 0.00020.
gnomAD v4.1: 93 of 1,613,352 alleles (0.0058%); highest among the groups gnomAD compares: Admixed American, 0.065%; no homozygotes.

Submissions (3):

Labcorp Genetics (formerly Invitae), Labcorp
Classification: Uncertain significance. Last evaluated: 2025-11-20. Review status: criteria provided, single submitter. Criteria: Invitae Variant Classification Sherloc (09022015). Collection method: clinical testing. Allele origin: germline.
Comment: This sequence change replaces threonine, which is neutral and polar, with methionine, which is neutral and non-polar, at codon 337 of the LAMC3 protein (p.Thr337Met). This variant is present in population databases (rs111694254, gnomAD 0.09%). This variant has not been reported in the literature in individuals affected with LAMC3-related conditions. ClinVar contains an entry for this variant (Variation ID: 1493157). An algorithm developed to predict the effect of missense changes on protein structure and function outputs the following: PolyPhen-2: "Benign". The methionine amino acid residue is found in multiple mammalian species, which suggests that this missense change does not adversely affect protein function. In summary, the available evidence is currently insufficient to determine the role of this variant in disease. Therefore, it has been classified as a Variant of Uncertain Significance.

GeneDx
Classification: Uncertain significance. Last evaluated: 2024-03-18. Review status: criteria provided, single submitter. Criteria: GeneDx Variant Classification Process June 2021. Collection method: clinical testing. Allele origin: germline. Affected: yes.
Comment: In silico analysis supports that this missense variant does not alter protein structure/function; Has not been previously published as pathogenic or benign to our knowledge

Ambry Genetics
Classification: Uncertain significance for Inborn genetic diseases. Last evaluated: 2023-12-17. Review status: criteria provided, single submitter. Criteria: Ambry Variant Classification Scheme 2023. Collection method: clinical testing. Allele origin: germline.

NM_006059.4(LAMC3):c.1010C>T (p.Thr337Met)

Gene: LAMC3 (laminin subunit gamma 3; plus strand). Cytogenetic location: 9q34.12.
Variant type: single nucleotide variant.
Coding change: c.1010C>T on transcript NM_006059.4 (MANE Select); coding-DNA position 1010, C replaced by T.
Protein change: p.Thr337Met; replaces threonine 337 with methionine.
Molecular consequence: missense variant.
Genome position (GRCh38, 1-based): chr9:131,038,897, C>T. VCF-style: chr9-131038897-C-T. GRCh37 (hg19) VCF-style: chr9-133914284-C-T.
Other names: c.1010C>T (NM_006059.3); short protein forms T337M.
Identifiers: ClinVar variation 1493157 (VCV001493157.6), dbSNP rs111694254, ClinGen allele CA5286909.